The following is an entry in ClinVar:

NM_000051.4(ATM):c.1738C>T (p.Leu580Phe)

Gene: ATM (ATM serine/threonine kinase; plus strand). Cytogenetic location: 11q22.3.
Variant type: single nucleotide variant.
Coding change: c.1738C>T on transcript NM_000051.4 (MANE Select); coding-DNA position 1738, C replaced by T.
Protein change: p.Leu580Phe; replaces leucine 580 with phenylalanine.
Molecular consequence: missense variant.
Genome position (GRCh38, 1-based): chr11:108,251,967, C>T. VCF-style: chr11-108251967-C-T. GRCh37 (hg19) VCF-style: chr11-108122694-C-T.
Other names: c.1738C>T, p.Leu580Phe (NM_001351834.2); short protein forms L580F.
Identifiers: ClinVar variation 489513 (VCV000489513.17), dbSNP rs1555071952, ClinGen allele CA382535324.

ClinVar aggregate classification (germline): Uncertain significance. Review status: criteria provided, multiple submitters, no conflicts (2 of 4 stars). 4 submissions from 4 submitters: Uncertain significance (4). Last evaluated 2024-10-11.

Conditions:
Hereditary cancer-predisposing syndrome. Also called: Tumor predisposition; Neoplastic Syndromes, Hereditary; Hereditary Cancer Syndrome; Hereditary neoplastic syndrome. Identifiers: Orphanet 140162, MedGen C0027672, MeSH D009386, MONDO:0015356.
Ataxia-telangiectasia syndrome (AT). Also called: Ataxia-telangiectasia; Ataxia-telangiectasia, complementation group D; AT, COMPLEMENTATION GROUP C; LOUIS-BAR SYNDROME; Cerebello-oculocutaneous telangiectasia; Immunodeficiency with ataxia telangiectasia. Identifiers: Orphanet 100, MedGen C0004135, MONDO:0008840, OMIM 208900.

Allele frequency attached by ClinVar (database versions not stated): gnomAD exomes below 0.00001.
gnomAD v4.1: 2 of 1,613,748 alleles (0.00012%); highest among the groups gnomAD compares: Non-Finnish European, 0.00017%; no homozygotes.

Submissions (4):

Labcorp Genetics (formerly Invitae), Labcorp
Classification: Uncertain significance for Ataxia-telangiectasia syndrome. Last evaluated: 2024-10-11. Review status: criteria provided, single submitter. Criteria: Invitae Variant Classification Sherloc (09022015). Collection method: clinical testing. Allele origin: germline.
Comment: This sequence change replaces leucine, which is neutral and non-polar, with phenylalanine, which is neutral and non-polar, at codon 580 of the ATM protein (p.Leu580Phe). This variant is not present in population databases (gnomAD no frequency). This variant has not been reported in the literature in individuals affected with ATM-related conditions. ClinVar contains an entry for this variant (Variation ID: 489513). Invitae Evidence Modeling of protein sequence and biophysical properties (such as structural, functional, and spatial information, amino acid conservation, physicochemical variation, residue mobility, and thermodynamic stability) indicates that this missense variant is not expected to disrupt ATM protein function with a negative predictive value of 95%. In summary, the available evidence is currently insufficient to determine the role of this variant in disease. Therefore, it has been classified as a Variant of Uncertain Significance.

GeneDx
Classification: Uncertain significance. Last evaluated: 2022-12-19. Review status: criteria provided, single submitter. Criteria: GeneDx Variant Classification Process June 2021. Collection method: clinical testing. Allele origin: germline. Affected: yes.
Comment: Not observed at significant frequency in large population cohorts (gnomAD); In silico analysis supports that this missense variant does not alter protein structure/function; Has not been previously published as pathogenic or benign to our knowledge

Ambry Genetics
Classification: Uncertain significance for Hereditary cancer-predisposing syndrome. Last evaluated: 2020-11-09. Review status: criteria provided, single submitter. Criteria: Ambry Variant Classification Scheme 2023. Collection method: clinical testing. Allele origin: germline.
Comment: The p.L580F variant (also known as c.1738C>T), located in coding exon 10 of the ATM gene, results from a C to T substitution at nucleotide position 1738. The leucine at codon 580 is replaced by phenylalanine, an amino acid with highly similar properties. This alteration has been reported in at least one subject in a study of 13087 breast cancer cases and 5488 control individuals in the UK (Decker B et al. J Med Genet, 2017 11;54:732-741). This amino acid position is well conserved in available vertebrate species. In addition, the in silico prediction for this alteration is inconclusive. Since supporting evidence is limited at this time, the clinical significance of this alteration remains unclear.

Color Diagnostics, LLC DBA Color Health
Classification: Uncertain significance for Hereditary cancer-predisposing syndrome. Last evaluated: 2019-12-07. Review status: criteria provided, single submitter. Criteria: ACMG Guidelines, 2015. Collection method: clinical testing. Allele origin: germline.
Comment: This missense variant replaces leucine with phenylalanine at codon 580 of the ATM protein. Computational prediction suggests that this variant may not impact protein structure and function (internally defined REVEL score threshold <= 0.5, PMID: 27666373). Splice site prediction tools suggest that this variant may not impact RNA splicing. To our knowledge, functional studies have not been performed for this variant. This variant has not been reported in individuals affected with hereditary cancer in the literature. This variant has not been identified in the general population by the Genome Aggregation Database (gnomAD). The available evidence is insufficient to determine the role of this variant in disease conclusively. Therefore, this variant is classified as a Variant of Uncertain Significance.

Literature cited by the submitters: PubMed 28779002 (cited by Ambry Genetics).